The following is an entry in ClinVar:

ClinVar aggregate classification (germline): Uncertain significance. Review status: criteria provided, multiple submitters, no conflicts (2 of 4 stars). 2 submissions from 2 submitters: Uncertain significance (2). Last evaluated 2025-07-09.

Conditions:
Curry-Hall syndrome (WAD). Also called: WEYERS ACRODENTAL DYSOSTOSIS. Identifiers: Orphanet 952, MedGen C0457013, MONDO:0008673, OMIM 193530.
Ellis-van Creveld syndrome (EVC). Also called: Chondroectodermal dysplasia; MESOECTODERMAL DYSPLASIA. Identifiers: Orphanet 289, MedGen C0013903, MONDO:0009162, OMIM 225500.

Allele frequency attached by ClinVar (database versions not stated): gnomAD exomes 0.00001; ExAC 0.00002; gnomAD 0.00002; TOPMed 0.00003.
gnomAD v4.1: 34 of 1,597,892 alleles (0.0021%); highest among the groups gnomAD compares: African/African-American, 0.0027%; no homozygotes.

Submissions (2):

Labcorp Genetics (formerly Invitae), Labcorp
Classification: Uncertain significance for Curry-Hall syndrome; Ellis-van Creveld syndrome. Last evaluated: 2025-07-09. Review status: criteria provided, single submitter. Criteria: Invitae Variant Classification Sherloc (09022015). Collection method: clinical testing. Allele origin: germline.
Comment: This sequence change replaces arginine, which is basic and polar, with cysteine, which is neutral and slightly polar, at codon 435 of the EVC protein (p.Arg435Cys). This variant is present in population databases (rs756430334, gnomAD 0.008%). This variant has not been reported in the literature in individuals affected with EVC-related conditions. ClinVar contains an entry for this variant (Variation ID: 1437565). Invitae Evidence Modeling of protein sequence and biophysical properties (such as structural, functional, and spatial information, amino acid conservation, physicochemical variation, residue mobility, and thermodynamic stability) indicates that this missense variant is not expected to disrupt EVC protein function with a negative predictive value of 95%. In summary, the available evidence is currently insufficient to determine the role of this variant in disease. Therefore, it has been classified as a Variant of Uncertain Significance.

Blueprint Genetics
Classification: Uncertain significance. Last evaluated: 2023-10-17. Review status: criteria provided, single submitter. Criteria: ACMG Guidelines, 2015. Collection method: clinical testing. Allele origin: germline.

NM_153717.3(EVC):c.1303C>T (p.Arg435Cys)

Gene: EVC (EvC ciliary complex subunit 1; plus strand). Cytogenetic location: 4p16.2.
Variant type: single nucleotide variant.
Coding change: c.1303C>T on transcript NM_153717.3 (MANE Select); coding-DNA position 1303, C replaced by T.
Protein change: p.Arg435Cys; replaces arginine 435 with cysteine.
Molecular consequence: missense variant.
Genome position (GRCh38, 1-based): chr4:5,753,040, C>T. VCF-style: chr4-5753040-C-T. GRCh37 (hg19) VCF-style: chr4-5754767-C-T.
Other names: c.1303C>T, p.Arg435Cys (NM_001306090.2, NM_001306092.2); short protein forms R435C.
Identifiers: ClinVar variation 1437565 (VCV001437565.8), dbSNP rs756430334, ClinGen allele CA2836050.
Genomic context (GRCh38, chr4:5,753,040, plus strand): 5'-GGGCGGCAGAAGGAGGAGCTGCTCACGCAGCAGCACAAGGCCTTCTGGCAGGAGGCAGAG[C>T]GCTTCAGCCGGGGTGAGCCGTGGGCATGGGTGCCGCCGTCCACAACACTGGCCTTCTGGG-3'
Protein context (NP_714928.1, residues 425-445): QHKAFWQEAE[Arg435Cys]FSREFVQRGK